The following is an entry in ClinVar:

ClinVar aggregate classification (germline): Uncertain significance (1 of 4 stars; one submission).

Conditions:
Hereditary cancer-predisposing syndrome. Also called: Neoplastic Syndromes, Hereditary; Tumor predisposition; Hereditary Cancer Syndrome; Hereditary neoplastic syndrome. Identifiers: Orphanet 140162, MedGen C0027672, MeSH D009386, MONDO:0015356.

gnomAD v4.1: 2 of 1,614,174 alleles (0.00012%); highest among the groups gnomAD compares: East Asian, 0.0022%; no homozygotes.

Submission:

Ambry Genetics
Classification: Uncertain significance for Hereditary cancer-predisposing syndrome. Last evaluated: 2024-09-19. Review status: criteria provided, single submitter. Criteria: Ambry Variant Classification Scheme 2023. Collection method: clinical testing. Allele origin: germline.
Comment: The p.R959L variant (also known as c.2876G>T), located in coding exon 17 of the RET gene, results from a G to T substitution at nucleotide position 2876. The arginine at codon 959 is replaced by leucine, an amino acid with dissimilar properties. This amino acid position is conserved. In addition, this alteration is predicted to be deleterious by in silico analysis. Based on the available evidence, the clinical significance of this variant remains unclear.

NM_020975.6(RET):c.2876G>T (p.Arg959Leu)

Gene: RET (ret proto-oncogene; plus strand). Cytogenetic location: 10q11.21.
Variant type: single nucleotide variant.
Coding change: c.2876G>T on transcript NM_020975.6 (MANE Select); coding-DNA position 2876, G replaced by T.
Protein change: p.Arg959Leu; replaces arginine 959 with leucine.
Molecular consequence: missense variant.
Genome position (GRCh38, 1-based): chr10:43,123,745, G>T. VCF-style: chr10-43123745-G-T. GRCh37 (hg19) VCF-style: chr10-43619193-G-T.
Other names: c.2351G>T, p.Arg784Leu (NM_001406774.1); c.2150G>T, p.Arg717Leu (NM_001406775.1, NM_001406776.1, NM_001406777.1 and 1 more transcripts); c.1979G>T, p.Arg660Leu (NM_001406779.1, NM_001406780.1, NM_001406781.1 and 1 more transcripts); c.1850G>T, p.Arg617Leu (NM_001406783.1, NM_001406786.1); c.1886G>T, p.Arg629Leu (NM_001406784.1); c.1859G>T, p.Arg620Leu (NM_001406785.1); c.1844G>T, p.Arg615Leu (NM_001406787.1); c.1691G>T, p.Arg564Leu (NM_001406788.1, NM_001406789.1, NM_001406790.1); and 10 more; short protein forms R476L, R524L, R717L, R784L, R813L, R863L, R916L, R617L.
Identifiers: ClinVar variation 3432266 (VCV003432266.1).